The following is an entry in ClinVar:

ClinVar aggregate classification (germline): Uncertain significance (1 of 4 stars; one submission).

Conditions:
Cardiovascular phenotype. Identifiers: MedGen CN230736.

gnomAD v4.1: 4 of 1,614,082 alleles (0.00025%); highest among the groups gnomAD compares: Admixed American, 0.0067%; no homozygotes.

Submission:

Ambry Genetics
Classification: Uncertain significance for Cardiovascular phenotype. Last evaluated: 2025-05-05. Review status: criteria provided, single submitter. Criteria: Ambry Variant Classification Scheme 2023. Collection method: clinical testing. Allele origin: germline.
Comment: The p.F72V variant (also known as c.214T>G), located in coding exon 2 of the SCN3B gene, results from a T to G substitution at nucleotide position 214. The phenylalanine at codon 72 is replaced by valine, an amino acid with highly similar properties. This amino acid position is conserved. In addition, this alteration is predicted to be tolerated by in silico analysis. Based on the available evidence, the clinical significance of this variant remains unclear.

NM_001040151.2(SCN3B):c.214T>G (p.Phe72Val)

Gene: SCN3B (sodium voltage-gated channel beta subunit 3; minus strand). Cytogenetic location: 11q24.1.
Variant type: single nucleotide variant.
Coding change: c.214T>G on transcript NM_001040151.2 (MANE Select); coding-DNA position 214, T replaced by G.
Protein change: p.Phe72Val; replaces phenylalanine 72 with valine.
Molecular consequence: missense variant.
Genome position (GRCh38, 1-based): chr11:123,645,592, A>C on the plus strand (T>G on the coding strand, the complement: SCN3B is on the minus strand). VCF-style: chr11-123645592-A-C. GRCh37 (hg19) VCF-style: chr11-123516300-A-C.
Other names: c.214T>G, p.Phe72Val (NM_018400.4); short protein forms F72V.
Identifiers: ClinVar variation 3950937 (VCV003950937.1).